The following is an entry in ClinVar:

NM_001009999.3(KDM1A):c.1291T>C (p.Ser431Pro)

Gene: KDM1A (lysine demethylase 1A; plus strand). Cytogenetic location: 1p36.12.
Variant type: single nucleotide variant.
Coding change: c.1291T>C on transcript NM_001009999.3 (MANE Select); coding-DNA position 1291, T replaced by C.
Protein change: p.Ser431Pro; replaces serine 431 with proline.
Molecular consequence: missense variant.
Genome position (GRCh38, 1-based): chr1:23,068,650, T>C. VCF-style: chr1-23068650-T-C. GRCh37 (hg19) VCF-style: chr1-23395143-T-C.
Other names: c.1219T>C, p.Ser407Pro (NM_001363654.2, NM_001410763.1, NM_015013.4); c.1279T>C, p.Ser427Pro (NM_001410762.1); short protein forms S407P, S427P, S431P.
Identifiers: ClinVar variation 3532966 (VCV003532966.1).

ClinVar aggregate classification (germline): Uncertain significance (1 of 4 stars; one submission).

Conditions:
Inborn genetic diseases. Identifiers: MedGen C0950123, MeSH D030342.

Submission:

Ambry Genetics
Classification: Uncertain significance for Inborn genetic diseases. Last evaluated: 2024-12-04. Review status: criteria provided, single submitter. Criteria: Ambry Variant Classification Scheme 2023. Collection method: clinical testing. Allele origin: germline.
Comment: The p.S431P variant (also known as c.1291T>C), located in coding exon 11 of the KDM1A gene, results from a T to C substitution at nucleotide position 1291. The serine at codon 431 is replaced by proline, an amino acid with similar properties. This amino acid position is conserved. In addition, this alteration is predicted to be deleterious by in silico analysis. Based on the available evidence, the clinical significance of this variant remains unclear.